The following is an entry in ClinVar:

ClinVar aggregate classification (germline): Uncertain significance (1 of 4 stars; one submission).

Allele frequency attached by ClinVar (database versions not stated): TOPMed below 0.00001; ExAC 0.00001; gnomAD 0.00001.

Submission:

Labcorp Genetics (formerly Invitae), Labcorp
Classification: Uncertain significance. Last evaluated: 2024-10-24. Review status: criteria provided, single submitter. Criteria: Invitae Variant Classification Sherloc (09022015). Collection method: clinical testing. Allele origin: germline.
Comment: This sequence change replaces arginine, which is basic and polar, with histidine, which is basic and polar, at codon 140 of the KL protein (p.Arg140His). This variant is present in population databases (rs779037282, gnomAD 0.004%). This variant has not been reported in the literature in individuals affected with KL-related conditions. ClinVar contains an entry for this variant (Variation ID: 1944195). Invitae Evidence Modeling of protein sequence and biophysical properties (such as structural, functional, and spatial information, amino acid conservation, physicochemical variation, residue mobility, and thermodynamic stability) indicates that this missense variant is not expected to disrupt KL protein function with a negative predictive value of 80%. In summary, the available evidence is currently insufficient to determine the role of this variant in disease. Therefore, it has been classified as a Variant of Uncertain Significance.

NM_004795.4(KL):c.419G>A (p.Arg140His)

Gene: KL (klotho; plus strand). Cytogenetic location: 13q13.1.
Variant type: single nucleotide variant.
Coding change: c.419G>A on transcript NM_004795.4 (MANE Select); coding-DNA position 419, G replaced by A.
Protein change: p.Arg140His; replaces arginine 140 with histidine.
Molecular consequence: missense variant.
Genome position (GRCh38, 1-based): chr13:33,016,859, G>A. VCF-style: chr13-33016859-G-A. GRCh37 (hg19) VCF-style: chr13-33590997-G-A.
Other names: short protein forms R140H.
Identifiers: ClinVar variation 1944195 (VCV001944195.5), dbSNP rs779037282, ClinGen allele CA6943891.